The following is an entry in ClinVar:

ClinVar aggregate classification (germline): Uncertain significance (1 of 4 stars; one submission).

gnomAD v4.1: 97 of 1,610,024 alleles (0.006%); highest among the groups gnomAD compares: East Asian, 0.087%; no homozygotes.

Submission:

Labcorp Genetics (formerly Invitae), Labcorp
Classification: Uncertain significance. Last evaluated: 2025-05-01. Review status: criteria provided, single submitter. Criteria: Invitae Variant Classification Sherloc (09022015). Collection method: clinical testing. Allele origin: germline.
Comment: This sequence change replaces alanine, which is neutral and non-polar, with valine, which is neutral and non-polar, at codon 498 of the LAMA5 protein (p.Ala498Val). This variant is present in population databases (rs139957521, gnomAD 0.06%). This missense change has been observed in individual(s) with nephrotic syndrome (PMID: 35419533). An algorithm developed to predict the effect of missense changes on protein structure and function outputs the following: PolyPhen-2: "Possibly Damaging". The valine amino acid residue is found in multiple mammalian species, which suggests that this missense change does not adversely affect protein function. In summary, the available evidence is currently insufficient to determine the role of this variant in disease. Therefore, it has been classified as a Variant of Uncertain Significance.

Literature cited by the submitters: PubMed 35419533.

NM_005560.6(LAMA5):c.1493C>T (p.Ala498Val)

Gene: LAMA5 (laminin subunit alpha 5; minus strand). Cytogenetic location: 20q13.33.
Variant type: single nucleotide variant.
Coding change: c.1493C>T on transcript NM_005560.6 (MANE Select); coding-DNA position 1493, C replaced by T.
Protein change: p.Ala498Val; replaces alanine 498 with valine.
Molecular consequence: missense variant.
Genome position (GRCh38, 1-based): chr20:62,338,593, G>A on the plus strand (C>T on the coding strand, the complement: LAMA5 is on the minus strand). VCF-style: chr20-62338593-G-A. GRCh37 (hg19) VCF-style: chr20-60913649-G-A.
Other names: short protein forms A498V.
Identifiers: ClinVar variation 4753571 (VCV004753571.1).